The following is an entry in ClinVar:

NM_001845.6(COL4A1):c.1748G>T (p.Gly583Val)

Gene: COL4A1 (collagen type IV alpha 1 chain; minus strand). Cytogenetic location: 13q34.
Variant type: single nucleotide variant.
Coding change: c.1748G>T on transcript NM_001845.6 (MANE Select); coding-DNA position 1748, G replaced by T.
Protein change: p.Gly583Val; replaces glycine 583 with valine.
Molecular consequence: missense variant.
Genome position (GRCh38, 1-based): chr13:110,186,534, C>A on the plus strand (G>T on the coding strand, the complement: COL4A1 is on the minus strand). VCF-style: chr13-110186534-C-A. GRCh37 (hg19) VCF-style: chr13-110838881-C-A.
Other names: short protein forms G583V.
Identifiers: ClinVar variation 3055034 (VCV003055034.2), dbSNP rs2139173408, ClinGen allele CA388722798.

ClinVar aggregate classification (germline): Uncertain significance (0 of 4 stars; one submission).

Conditions:
COL4A1-related disorder. Also called: COL4A1-related condition; COL4A1-related disorders. Identifiers: MedGen CN376119, MONDO:0800461.

Submission:

PreventionGenetics, part of Exact Sciences
Classification: Uncertain significance for COL4A1-related condition. Last evaluated: 2024-02-28. Review status: no assertion criteria provided. Collection method: clinical testing. Allele origin: germline.
Comment: The COL4A1 c.1748G>T variant is predicted to result in the amino acid substitution p.Gly583Val. To our knowledge, this variant has not been reported in the literature or in a large population database, indicating this variant is rare. This variant causes a substitution of a glycine residue within the conserved collagen triple helix repeat (Gly-X-Y); however, variants impacting Gly583 or neighboring glycines have not been documented in the literature (Human Gene Mutation Database). Although we suspect that this variant may be pathogenic, at this time, the clinical significance of this variant is uncertain due to the absence of conclusive functional and genetic evidence.